The following is an entry in ClinVar:

ClinVar aggregate classification (germline): Uncertain significance. Review status: criteria provided, multiple submitters, no conflicts (2 of 4 stars). 2 submissions from 2 submitters: Uncertain significance (2). Last evaluated 2024-09-02.

Allele frequency attached by ClinVar (database versions not stated): ExAC 0.00002; gnomAD exomes 0.00002; gnomAD 0.00005; TOPMed 0.00007.

Submissions (2):

Ambry Genetics
Classification: Uncertain significance. Last evaluated: 2024-09-02. Review status: criteria provided, single submitter. Criteria: Ambry Variant Classification Scheme 2023. Collection method: clinical testing. Allele origin: germline.

GeneDx
Classification: Uncertain significance. Last evaluated: 2022-10-09. Review status: criteria provided, single submitter. Criteria: GeneDx Variant Classification Process June 2021. Collection method: clinical testing. Allele origin: germline. Affected: yes.
Comment: In silico analysis supports that this missense variant has a deleterious effect on protein structure/function; Has not been previously published as pathogenic or benign to our knowledge

NM_016824.5(ADD3):c.1142T>C (p.Leu381Ser)

Gene: ADD3 (adducin 3; plus strand). Cytogenetic location: 10q25.2.
Variant type: single nucleotide variant.
Coding change: c.1142T>C on transcript NM_016824.5 (MANE Select); coding-DNA position 1142, T replaced by C.
Protein change: p.Leu381Ser; replaces leucine 381 with serine.
Molecular consequence: missense variant.
Genome position (GRCh38, 1-based): chr10:110,122,291, T>C. VCF-style: chr10-110122291-T-C. GRCh37 (hg19) VCF-style: chr10-111882049-T-C.
Other names: c.1142T>C, p.Leu381Ser (NM_001121.4, NM_001320591.2, NM_001320592.2 and 2 more transcripts); c.908T>C, p.Leu303Ser (NM_001320594.2); short protein forms L303S, L381S.
Identifiers: ClinVar variation 2497763 (VCV002497763.2), dbSNP rs199946191, ClinGen allele CA5686544.